The following is an entry in ClinVar:

ClinVar aggregate classification (germline): Uncertain significance. Review status: criteria provided, multiple submitters, no conflicts (2 of 4 stars). 7 submissions from 7 submitters: Uncertain significance (6). 1 of the submissions does not count toward it. Last evaluated 2026-03-28.

Conditions:
Hereditary cancer-predisposing syndrome. Also called: Tumor predisposition; Neoplastic Syndromes, Hereditary; Hereditary Cancer Syndrome; Hereditary neoplastic syndrome. Identifiers: Orphanet 140162, MedGen C0027672, MeSH D009386, MONDO:0015356.
Hereditary breast ovarian cancer syndrome. Also called: Hereditary breast and ovarian cancer syndrome (HBOC); Hereditary breast and ovarian cancer syndrome; Hereditary breast and ovarian cancer; Hereditary breast and/or ovarian cancer syndrome; Breast and ovarian cancer; BRCA1- and BRCA2-Associated Hereditary Breast and Ovarian Cancer. Identifiers: Orphanet 145, MedGen C0677776, MeSH D061325, MONDO:0003582. Disease mechanism: loss of function.
Breast-ovarian cancer, familial, susceptibility to, 1 (BROVCA1). Also called: OVARIAN CANCER, SUSCEPTIBILITY TO; BRCA1 Hereditary Breast and Ovarian Cancer. Identifiers: Orphanet 145, MedGen C2676676, MONDO:0011450, OMIM 604370. Disease mechanism: loss of function.

Allele frequency attached by ClinVar (database versions not stated): 1000 Genomes Project 30x 0.00016; 1000 Genomes Project 0.00020.
gnomAD v4.1: 3 of 1,613,732 alleles (0.00019%); highest among the groups gnomAD compares: South Asian, 0.0033%; no homozygotes.

Submissions (7):

Women's Health and Genetics/Laboratory Corporation of America, LabCorp
Classification: Uncertain significance. Last evaluated: 2026-03-28. Review status: criteria provided, single submitter. Criteria: LabCorp Variant Classification Summary - May 2015. Collection method: clinical testing. Allele origin: germline.

St. Jude Molecular Pathology, St. Jude Children's Research Hospital
Classification: Uncertain significance for Breast-ovarian cancer, familial, susceptibility to, 1. Last evaluated: 2026-02-20. Review status: criteria provided, single submitter. Criteria: St. Jude Assertion Criteria 2020. Collection method: clinical testing. Allele origin: germline.
Comment: The BRCA1 c.4402A>G p.(Asn1 468Asp) missense change has a maximum subpopulation frequency of 0.01% in gnomAD v2.1.1. The in silico tool REVEL predicts a benign effect on protein function, but to our knowledge this prediction has not been confirm ed by functional studies. To our knowledge, this variant has not been reported in individuals with HBOC or Fanconi anemia. In summary, the evidence currently available is insufficient to determine the clinical significance of this variant. It has therefo re been classified as of uncertain significance.

Labcorp Genetics (formerly Invitae), Labcorp
Classification: Uncertain significance for Hereditary breast ovarian cancer syndrome. Last evaluated: 2025-12-23. Review status: criteria provided, single submitter. Criteria: Invitae Variant Classification Sherloc (09022015). Collection method: clinical testing. Allele origin: germline.
Comment: This sequence change replaces asparagine, which is neutral and polar, with aspartic acid, which is acidic and polar, at codon 1468 of the BRCA1 protein (p.Asn1468Asp). This variant is present in population databases (rs80357022, gnomAD 0.01%). This variant has not been reported in the literature in individuals affected with BRCA1-related conditions. ClinVar contains an entry for this variant (Variation ID: 37591). Invitae Evidence Modeling of protein sequence and biophysical properties (such as structural, functional, and spatial information, amino acid conservation, physicochemical variation, residue mobility, and thermodynamic stability) indicates that this missense variant is not expected to disrupt BRCA1 protein function with a negative predictive value of 95%. In summary, the available evidence is currently insufficient to determine the role of this variant in disease. Therefore, it has been classified as a Variant of Uncertain Significance.

Ambry Genetics
Classification: Uncertain significance for Hereditary cancer-predisposing syndrome. Last evaluated: 2024-08-27. Review status: criteria provided, single submitter. Criteria: Ambry Variant Classification Scheme 2023. Collection method: clinical testing. Allele origin: germline.
Comment: The p.N1468D variant (also known as c.4402A>G), located in coding exon 12 of the BRCA1 gene, results from an A to G substitution at nucleotide position 4402. The asparagine at codon 1468 is replaced by aspartic acid, an amino acid with highly similar properties. This amino acid position is well conserved in available vertebrate species. In addition, this alteration is predicted to be tolerated by in silico analysis. Based on the available evidence, the clinical significance of this variant remains unclear.

GeneDx
Classification: Uncertain significance. Last evaluated: 2023-06-04. Review status: criteria provided, single submitter. Criteria: GeneDx Variant Classification Process June 2021. Collection method: clinical testing. Allele origin: germline. Affected: yes.
Comment: Not observed at significant frequency in large population cohorts (gnomAD); In silico analysis supports that this missense variant has a deleterious effect on protein structure/function; Has not been previously published as pathogenic or benign to our knowledge; Also known as 4521T>C; This variant is associated with the following publications: (PMID: 15343273, 22737296, 29884841)

Color Diagnostics, LLC DBA Color Health
Classification: Uncertain significance for Hereditary cancer-predisposing syndrome. Last evaluated: 2019-04-18. Review status: criteria provided, single submitter. Criteria: ACMG Guidelines, 2015. Collection method: clinical testing. Allele origin: germline.

Sharing Clinical Reports Project (SCRP)
Classification: Uncertain significance for Breast-ovarian cancer, familial 1. Last evaluated: 2007-08-10. Review status: no assertion criteria provided. Collection method: clinical testing. Allele origin: germline. Not counted in ClinVar's aggregate classification.

NM_007294.4(BRCA1):c.4402A>G (p.Asn1468Asp)

Gene: BRCA1 (BRCA1 DNA repair associated; minus strand). Cytogenetic location: 17q21.31.
Variant type: single nucleotide variant.
Coding change: c.4402A>G on transcript NM_007294.4 (MANE Select); coding-DNA position 4402, A replaced by G.
Protein change: p.Asn1468Asp; replaces asparagine 1468 with aspartic acid.
Molecular consequence: missense variant. On other transcripts: non-coding transcript variant (1).
Genome position (GRCh38, 1-based): chr17:43,076,570, T>C on the plus strand (A>G on the coding strand, the complement: BRCA1 is on the minus strand). VCF-style: chr17-43076570-T-C. GRCh37 (hg19) VCF-style: chr17-41228587-T-C.
Other names: c.4273A>G, p.Asn1425Asp (NM_001407683.1, NM_001407685.1, NM_001407686.1 and 6 more transcripts); c.4402A>G, p.Asn1468Asp (NM_001407684.1, NM_001407854.1, NM_001407593.1 and 8 more transcripts); c.4270A>G, p.Asn1424Asp (NM_001407690.1, NM_001407691.1); c.4261A>G, p.Asn1421Asp (NM_001407692.1, NM_001407694.1, NM_001407695.1 and 13 more transcripts); c.4258A>G, p.Asn1420Asp (NM_001407732.1, NM_001407733.1, NM_001407734.1 and 21 more transcripts); c.4255A>G, p.Asn1419Asp (NM_001407838.1, NM_001407839.1, NM_001407841.1 and 12 more transcripts); c.4399A>G, p.Asn1467Asp (NM_001407858.1, NM_001407859.1, NM_001407860.1 and 17 more transcripts); c.4396A>G, p.Asn1466Asp (NM_001407861.1, NM_001407627.1, NM_001407628.1 and 14 more transcripts); and 68 more; short protein forms N1468D, N1489D, N1421D, N364D, N1172D, N1356D, N1401D, N1441D.
Identifiers: ClinVar variation 37591 (VCV000037591.12), dbSNP rs80357022, ClinGen allele CA002827.